The following is an entry in ClinVar:

NM_032119.4(ADGRV1):c.11954T>C (p.Ile3985Thr)

Gene: ADGRV1 (adhesion G protein-coupled receptor V1; plus strand). Cytogenetic location: 5q14.3.
Variant type: single nucleotide variant.
Coding change: c.11954T>C on transcript NM_032119.4 (MANE Select); coding-DNA position 11954, T replaced by C.
Protein change: p.Ile3985Thr; replaces isoleucine 3985 with threonine.
Molecular consequence: missense variant. On other transcripts: non-coding transcript variant (1).
Genome position (GRCh38, 1-based): chr5:90,759,422, T>C. VCF-style: chr5-90759422-T-C. GRCh37 (hg19) VCF-style: chr5-90055239-T-C.
Other names: short protein forms I3985T.
Identifiers: ClinVar variation 904913 (VCV000904913.15), dbSNP rs78833918, ClinGen allele CA3341100.
Genomic context (GRCh38, chr5:90,759,422, plus strand): 5'-CCTTCTTTTCCTCCCTCTCTTTCTCCCTTCCTTCCTTTCTTTCATAGGTTACTGCAATGA[T>C]AGAAATCACCATAATTGATGATGCTGAATTTGAATTGACAGAGACGTTCAATATTTCCTT-3'
Protein context (NP_115495.3, residues 3975-3995): EFADKQVTAM[Ile3985Thr]EITIIDDAEF

ClinVar aggregate classification (germline): Conflicting classifications of pathogenicity. Review status: criteria provided, conflicting classifications (1 of 4 stars). 4 submissions from 4 submitters: Uncertain significance (3); Likely benign (1). Last evaluated 2026-01-20.

Conditions:
Usher syndrome type 2C. Also called: USHER SYNDROME, TYPE IIC; Usher syndrome, type 2B. Identifiers: Orphanet 231178, Orphanet 886, MedGen C2931213, MONDO:0011558, OMIM 605472.

Allele frequency attached by ClinVar (database versions not stated): gnomAD exomes 0.00005 and 0.00021; 1000 Genomes Project 30x 0.00094; 1000 Genomes Project 0.00120; gnomAD 0.00010 and 0.00002; ExAC 0.00023; TOPMed 0.00003.
gnomAD v4.1: 309 of 1,559,978 alleles (0.02%); highest among the groups gnomAD compares: East Asian, 0.72%; 3 homozygotes.

Submissions (4):

GeneDx
Classification: Uncertain significance. Last evaluated: 2026-01-20. Review status: criteria provided, single submitter. Criteria: GeneDx Variant Classification Process June 2021. Collection method: clinical testing. Allele origin: germline.
Comment: In silico analysis supports that this missense variant has a deleterious effect on protein structure/function; Has not been previously published as pathogenic or benign to our knowledge

Labcorp Genetics (formerly Invitae), Labcorp
Classification: Likely benign. Last evaluated: 2026-01-15. Review status: criteria provided, single submitter. Criteria: Invitae Variant Classification Sherloc (09022015). Collection method: clinical testing. Allele origin: germline.

Blueprint Genetics
Classification: Uncertain significance. Last evaluated: 2023-08-02. Review status: criteria provided, single submitter. Criteria: ACMG Guidelines, 2015. Collection method: clinical testing. Allele origin: germline.

Illumina Laboratory Services, Illumina
Classification: Uncertain significance for Usher syndrome type 2C. Last evaluated: 2018-01-13. Review status: criteria provided, single submitter. Criteria: ICSL Variant Classification Criteria 13 December 2019. Collection method: clinical testing. Allele origin: germline.